The following is an entry in ClinVar:

ClinVar aggregate classification (germline): Pathogenic (1 of 4 stars; one submission).

Conditions:
Familial cancer of breast. Also called: hereditary breast carcinoma; Hereditary breast cancer; BREAST CANCER, FAMILIAL. Identifiers: Orphanet 227535, MedGen C0346153, MONDO:0016419, OMIM 114480. Disease mechanism: loss of function.

Submission:

Labcorp Genetics (formerly Invitae), Labcorp
Classification: Pathogenic for Familial cancer of breast. Last evaluated: 2016-11-25. Review status: criteria provided, single submitter. Criteria: Invitae Variant Classification Sherloc (09022015). Collection method: clinical testing. Allele origin: germline.
Comment: This variant is a gross deletion of the genomic region encompassing exons 7-13 of the PALB2 gene. The 5' boundary is likely confined to intron 6. The 3' end of this event is unknown as it extends through the termination codon beyond the assayed region for this gene and may encompass additional genes. While this deletion is not anticipated to result in nonsense mediated decay, it is expected to create a truncated protein product or disrupt mRNA translation. Exons 7-13 of PALB2 encodes the WD40 domain which associates with the N-terminus of BRCA2 (PMID: 19423707). This deletion destroys the WD40 functional domain. While this exact sequence change has not been reported in the literature, sub-genic deletion spanning exons 12-13 of PALB2 has been reported in an individual affected with breast and pancreatic cancer (PMID: 19635604) and a sub-genic deletion spanning exons 7-11 of PALB2 has been reported in an individual affected with breast cancer and their brother affected with breast and gastric cancer (PMID: 22052327). In addition, loss of function mutations causing partial deletion of the WD40 domain have been classified as pathogenic (Invitae internal database). For these reasons, this sequence change has been classified as Pathogenic.

NC_000016.10:g.(?_23603459)_(23626397_?)del

Gene: PALB2 (partner and localizer of BRCA2; minus strand). Cytogenetic location: 16p12.2.
Variant type: Deletion.
Identifiers: ClinVar variation 437840 (VCV000437840.2).